The following is an entry in ClinVar:

ClinVar aggregate classification (germline): Pathogenic/Likely pathogenic. Review status: criteria provided, multiple submitters, no conflicts (2 of 4 stars). 3 submissions from 3 submitters: Pathogenic (1); Likely pathogenic (2). Last evaluated 2025-07-16.

Conditions:
Roberts-SC phocomelia syndrome (RBS). Also called: Hypomelia hypotrichosis facial hemangioma syndrome; LONG BONE DEFICIENCIES ASSOCIATED WITH CLEFT LIP-PALATE; Pseudothalidomide syndrome; Appelt-Gerken-Lenz syndrome; ESCO2 Spectrum Disorder. Identifiers: Orphanet 3103, MedGen C0392475, MONDO:0100253, OMIM 268300.
Juberg-Hayward syndrome (JHS). Also called: Cleft lip/palate with abnormal thumbs and microcephaly; OROCRANIODIGITAL SYNDROME. Identifiers: Orphanet 2319, MedGen C0796099, MONDO:0008992, OMIM 216100.

Submissions (3):

Natera, Inc.
Classification: Likely pathogenic for Roberts syndrome. Last evaluated: 2025-07-16. Review status: criteria provided, single submitter. Criteria: Natera Variant Classification Schema (03/2026). Collection method: clinical testing. Allele origin: germline.
Comment: The c.196_199delAATA variant in ESCO2 is a frameshift variant predicted to shift the reading frame beginning at codon 66 and leads to a stop codon 35 codons downstream. This variant is expected to result in nonsense mediated decay, truncation, or a dysfunctional protein product. This variant is rare in the general population with a frequency below the threshold expected for the associated phenotype(s). Given the available evidence, this variant is classified as Likely Pathogenic.

Fulgent Genetics
Classification: Likely pathogenic for Juberg-Hayward syndrome; Roberts-SC phocomelia syndrome. Last evaluated: 2024-06-07. Review status: criteria provided, single submitter. Criteria: ACMG Guidelines, 2015. Collection method: clinical testing. Allele origin: germline.

Labcorp Genetics (formerly Invitae), Labcorp
Classification: Pathogenic. Last evaluated: 2024-02-17. Review status: criteria provided, single submitter. Criteria: Invitae Variant Classification Sherloc (09022015). Collection method: clinical testing. Allele origin: germline.
Comment: This sequence change creates a premature translational stop signal (p.Asn66Aspfs*35) in the ESCO2 gene. It is expected to result in an absent or disrupted protein product. Loss-of-function variants in ESCO2 are known to be pathogenic (PMID: 15821733, 16380922). This variant is not present in population databases (gnomAD no frequency). This variant has not been reported in the literature in individuals affected with ESCO2-related conditions. ClinVar contains an entry for this variant (Variation ID: 952938). For these reasons, this variant has been classified as Pathogenic.

Literature cited by the submitters: PubMed 15821733 (cited by Labcorp Genetics (formerly Invitae), Labcorp); PubMed 16380922 (cited by Labcorp Genetics (formerly Invitae), Labcorp).

NM_001017420.3(ESCO2):c.196_199del (p.Asn66fs)

Gene: ESCO2 (establishment of sister chromatid cohesion N-acetyltransferase 2; plus strand). Cytogenetic location: 8p21.1.
Variant type: Microsatellite.
Coding change: c.196_199del on transcript NM_001017420.3 (MANE Select); coding-DNA positions 196 to 199, 4 bases deleted (AATA; older notation c.196_199delAATA).
Protein change: p.Asn66fs; shifts the reading frame from asparagine 66.
Molecular consequence: frameshift variant.
Genome position (GRCh38, 1-based): chr8:27,776,504-27,776,507, AATA deleted; deleting any 4 consecutive bases within chr8:27,776,499-27,776,507 gives the same sequence; the c. name uses the placement nearest the transcript's 3' end. VCF-style (leftmost placement, unchanged base first): chr8-27776498-GAAAT-G. GRCh37 (hg19) VCF-style: chr8-27634015-GAAAT-G.
Other names: c.196_199delAATA (NM_001017420.2); short protein forms N66fs.
Identifiers: ClinVar variation 952938 (VCV000952938.8), dbSNP rs1368322558, ClinGen allele CA850400673.